The following is an entry in ClinVar:

NM_002336.3(LRP6):c.2460G>A (p.Met820Ile)

Gene: LRP6 (LDL receptor related protein 6; minus strand). Cytogenetic location: 12p13.2.
Variant type: single nucleotide variant.
Coding change: c.2460G>A on transcript NM_002336.3 (MANE Select); coding-DNA position 2460, G replaced by A.
Protein change: p.Met820Ile; replaces methionine 820 with isoleucine.
Molecular consequence: missense variant. On other transcripts: non-coding transcript variant (1).
Genome position (GRCh38, 1-based): chr12:12,159,784, C>T on the plus strand (G>A on the coding strand, the complement: LRP6 is on the minus strand). VCF-style: chr12-12159784-C-T. GRCh37 (hg19) VCF-style: chr12-12312718-C-T.
Other names: c.2460G>A, p.Met820Ile (NM_001414244.1, NM_001414245.1, NM_001414246.1 and 4 more transcripts); c.2262G>A, p.Met754Ile (NM_001414247.1); c.2007G>A, p.Met669Ile (NM_001414252.1, NM_001414253.1, NM_001414254.1); c.1953G>A, p.Met651Ile (NM_001414255.1); short protein forms M651I, M754I, M820I, M669I.
Identifiers: ClinVar variation 4693048 (VCV004693048.1).

ClinVar aggregate classification (germline): Uncertain significance (1 of 4 stars; one submission).

gnomAD v4.1: 1 of 1,613,990 alleles (0.000062%); highest among the groups gnomAD compares: Non-Finnish European, 0.000085%; no homozygotes.

Submission:

Labcorp Genetics (formerly Invitae), Labcorp
Classification: Uncertain significance. Last evaluated: 2025-05-30. Review status: criteria provided, single submitter. Criteria: Invitae Variant Classification Sherloc (09022015). Collection method: clinical testing. Allele origin: germline.
Comment: This sequence change replaces methionine, which is neutral and non-polar, with isoleucine, which is neutral and non-polar, at codon 820 of the LRP6 protein (p.Met820Ile). This variant is not present in population databases (gnomAD no frequency). This variant has not been reported in the literature in individuals affected with LRP6-related conditions. Invitae Evidence Modeling of protein sequence and biophysical properties (such as structural, functional, and spatial information, amino acid conservation, physicochemical variation, residue mobility, and thermodynamic stability) indicates that this missense variant is not expected to disrupt LRP6 protein function with a negative predictive value of 80%. In summary, the available evidence is currently insufficient to determine the role of this variant in disease. Therefore, it has been classified as a Variant of Uncertain Significance.